The following is an entry in ClinVar:

ClinVar aggregate classification (germline): Uncertain significance (1 of 4 stars; one submission).

Allele frequency attached by ClinVar (database versions not stated): ExAC 0.00001; gnomAD exomes 0.00001 and 0.00003; gnomAD 0.00002; TOPMed 0.00004.
gnomAD v4.1: 51 of 1,608,776 alleles (0.0032%); highest among the groups gnomAD compares: African/African-American, 0.0094%; no homozygotes.

Submission:

Labcorp Genetics (formerly Invitae), Labcorp
Classification: Uncertain significance. Last evaluated: 2021-08-11. Review status: criteria provided, single submitter. Criteria: Invitae Variant Classification Sherloc (09022015). Collection method: clinical testing. Allele origin: germline.
Comment: In summary, the available evidence is currently insufficient to determine the role of this variant in disease. Therefore, it has been classified as a Variant of Uncertain Significance. Algorithms developed to predict the effect of sequence changes on RNA splicing suggest that this variant may create or strengthen a splice site. This variant has not been reported in the literature in individuals affected with ATP8A2-related conditions. This variant is present in population databases (rs748764455, ExAC 0.006%). This sequence change falls in intron 10 of the ATP8A2 gene. It does not directly change the encoded amino acid sequence of the ATP8A2 protein.

NM_016529.6(ATP8A2):c.892-14A>G

Gene: ATP8A2 (ATPase phospholipid transporting 8A2). Cytogenetic location: 13q12.13.
Variant type: single nucleotide variant.
Coding change: c.892-14A>G on transcript NM_016529.6 (MANE Select); 14 bases into the intron before coding-DNA position 892, A replaced by G.
Molecular consequence: intron variant.
Genome position (GRCh38, 1-based): chr13:25,551,324, A>G. VCF-style: chr13-25551324-A-G. GRCh37 (hg19) VCF-style: chr13-26125462-A-G.
Other names: c.772-14A>G (NM_001313741.1).
Identifiers: ClinVar variation 1521494 (VCV001521494.4), dbSNP rs748764455, ClinGen allele CA6922745.
Genomic context (GRCh38, chr13:25,551,324, plus strand): 5'-TTACCTCCTTTCCCCCAACCCCTTGCCCCAAATCTGTTCTGTGACCCTTACTGACTTTCA[A>G]TGCTGTTGTGTAGAATTCAACCAAAGCGCCTCTCAAGAGATCAAATGTTGAGAAGGTGAC-3'